The following is an entry in ClinVar:

ClinVar aggregate classification (germline): Likely benign. Review status: criteria provided, multiple submitters, no conflicts (2 of 4 stars). 2 submissions from 2 submitters: Likely benign (2). Last evaluated 2026-09-15.

Conditions:
MAP1B-related disorder. Also called: MAP1B-related condition.

gnomAD v4.1: 109 of 1,613,010 alleles (0.0068%); highest among the groups gnomAD compares: Admixed American, 0.015%; no homozygotes.

Submissions (2):

PreventionGenetics, part of Exact Sciences
Classification: Likely benign for MAP1B-related condition. Last evaluated: 2026-09-15. Review status: criteria provided, single submitter. Criteria: ACMG Guidelines, 2015. Collection method: clinical testing. Allele origin: germline.
Comment: This variant is classified as likely benign based on ACMG/AMP sequence variant interpretation guidelines (Richards et al. 2015 PMID: 25741868, with internal and published modifications).

CeGaT Center for Human Genetics Tuebingen
Classification: Likely benign. Last evaluated: 2026-02-01. Review status: criteria provided, single submitter. Criteria: CeGaT Center For Human Genetics Tuebingen Variant Classification Criteria Version 2. Collection method: clinical testing. Allele origin: germline. Affected: yes. Observed: 1 variant allele.
Comment: MAP1B: BP4, BP7

NM_005909.5(MAP1B):c.7209C>T (p.Asp2403=)

Gene: MAP1B (microtubule associated protein 1B; plus strand). Cytogenetic location: 5q13.2.
Variant type: single nucleotide variant.
Coding change: c.7209C>T on transcript NM_005909.5 (MANE Select); coding-DNA position 7209, C replaced by T.
Protein change: p.Asp2403=; no amino-acid change (aspartic acid 2403 retained).
Molecular consequence: synonymous variant.
Genome position (GRCh38, 1-based): chr5:72,203,759, C>T. VCF-style: chr5-72203759-C-T. GRCh37 (hg19) VCF-style: chr5-71499586-C-T.
Other names: c.6831C>T, p.Asp2277= (NM_001324255.2); c.7209C>T (NM_005909.4).
Identifiers: ClinVar variation 4821419 (VCV004821419.5).